The following is an entry in ClinVar:

NM_005159.5(ACTC1):c.-36CCGCC[3]

Genes: ACTC1 (actin alpha cardiac muscle 1; minus strand), GJD2-DT (GJD2 divergent transcript; plus strand). Cytogenetic location: 15q14.
Variant type: Microsatellite.
Coding change: c.-36CCGCC[3] on transcript NM_005159.5 (MANE Select); three copies in a row of the 5-base unit CCGCC starting at c.-36; the reference has two copies in a row; one copy, 5 bases duplicated.
Molecular consequence: 5 prime UTR variant.
Genome position (GRCh38, 1-based): chr15:34,795,510-34,795,514, GGCGG duplicated on the plus strand (CCGCC on the coding strand, the reverse complement: ACTC1 is on the minus strand); duplicating any 5 consecutive bases within chr15:34,795,510-34,795,520 gives the same sequence; the position shown is the placement nearest the transcript's 3' end. VCF-style (leftmost placement, unchanged base first): chr15-34795509-C-CGGCGG. GRCh37 (hg19) VCF-style: chr15-35087710-C-CGGCGG.
Identifiers: ClinVar variation 422606 (VCV000422606.1), dbSNP rs1064795891, ClinGen allele CA16619919.

ClinVar aggregate classification (germline): Likely benign (1 of 4 stars; one submission).

Submission:

GeneDx
Classification: Likely benign. Last evaluated: 2016-11-01. Review status: criteria provided, single submitter. Criteria: GeneDx Variant Classification (06012015). Collection method: clinical testing. Allele origin: germline. Affected: yes.
Comment: This variant is considered likely benign or benign based on one or more of the following criteria: it is a conservative change, it occurs at a poorly conserved position in the protein, it is predicted to be benign by multiple in silico algorithms, and/or has population frequency not consistent with disease.